The following is an entry in ClinVar:

NM_005633.4(SOS1):c.1850T>C (p.Met617Thr)

Gene: SOS1 (SOS Ras/Rac guanine nucleotide exchange factor 1; minus strand). Cytogenetic location: 2p22.1.
Variant type: single nucleotide variant.
Coding change: c.1850T>C on transcript NM_005633.4 (MANE Select); coding-DNA position 1850, T replaced by C.
Protein change: p.Met617Thr; replaces methionine 617 with threonine.
Molecular consequence: missense variant.
Genome position (GRCh38, 1-based): chr2:39,022,578, A>G on the plus strand (T>C on the coding strand, the complement: SOS1 is on the minus strand). VCF-style: chr2-39022578-A-G. GRCh37 (hg19) VCF-style: chr2-39249719-A-G.
Other names: c.1829T>C, p.Met610Thr (NM_001382394.1); c.1850T>C, p.Met617Thr (NM_001382395.1); short protein forms M617T, M610T.
Identifiers: ClinVar variation 40688 (VCV000040688.8), dbSNP rs775105134, ClinGen allele CA1624541.

ClinVar aggregate classification (germline): Uncertain significance (1 of 4 stars; one submission).

Conditions:
RASopathy. Also called: Noonan spectrum disorder; rasopathies. Identifiers: Orphanet 536391, MedGen C5555857, MONDO:0021060.

Allele frequency attached by ClinVar (database versions not stated): gnomAD exomes below 0.00001; ExAC 0.00001.
gnomAD v4.1: 2 of 1,612,156 alleles (0.00012%); highest among the groups gnomAD compares: Non-Finnish European, 0.00017%; no homozygotes.

Submission:

Labcorp Genetics (formerly Invitae), Labcorp
Classification: Uncertain significance for RASopathy. Last evaluated: 2025-12-01. Review status: criteria provided, single submitter. Criteria: Invitae Variant Classification Sherloc (09022015). Collection method: clinical testing. Allele origin: germline.
Comment: This sequence change replaces methionine, which is neutral and non-polar, with threonine, which is neutral and polar, at codon 617 of the SOS1 protein (p.Met617Thr). This variant is present in population databases (rs775105134, gnomAD 0.006%). This variant has not been reported in the literature in individuals affected with SOS1-related conditions. ClinVar contains an entry for this variant (Variation ID: 40688). Invitae Evidence Modeling of protein sequence and biophysical properties (such as structural, functional, and spatial information, amino acid conservation, physicochemical variation, residue mobility, and thermodynamic stability) has been performed for this missense variant. However, the output from this modeling did not meet the statistical confidence thresholds required to predict the impact of this variant on SOS1 protein function. In summary, the available evidence is currently insufficient to determine the role of this variant in disease. Therefore, it has been classified as a Variant of Uncertain Significance.